The following is an entry in ClinVar:

ClinVar aggregate classification (germline): Uncertain significance (1 of 4 stars; one submission).

Allele frequency attached by ClinVar (database versions not stated): gnomAD 0.00001.
gnomAD v4.1: 2 of 1,614,100 alleles (0.00012%); highest among the groups gnomAD compares: Admixed American, 0.0033%; no homozygotes.

Submission:

Women's Health and Genetics/Laboratory Corporation of America, LabCorp
Classification: Uncertain significance. Last evaluated: 2023-04-06. Review status: criteria provided, single submitter. Criteria: LabCorp Variant Classification Summary - May 2015. Collection method: clinical testing. Allele origin: germline.
Comment: Variant summary: MN1 c.36C>A (p.Asn12Lys) results in a non-conservative amino acid change in the encoded protein sequence. Three of four in-silico tools predict a damaging effect of the variant on protein function. The variant was absent in 249128 control chromosomes. The available data on variant occurrences in the general population are insufficient to allow any conclusion about variant significance. To our knowledge, no occurrence of c.36C>A in individuals affected with CEBALID Syndrome and no experimental evidence demonstrating its impact on protein function have been reported. No clinical diagnostic laboratories have submitted clinical-significance assessments for this variant to ClinVar after 2014. Based on the evidence outlined above, the variant was classified as uncertain significance.

NM_002430.3(MN1):c.36C>A (p.Asn12Lys)

Gene: MN1 (MN1 proto-oncogene, transcriptional regulator; minus strand). Cytogenetic location: 22q12.1.
Variant type: single nucleotide variant.
Coding change: c.36C>A on transcript NM_002430.3 (MANE Select); coding-DNA position 36, C replaced by A.
Protein change: p.Asn12Lys; replaces asparagine 12 with lysine.
Molecular consequence: missense variant.
Genome position (GRCh38, 1-based): chr22:27,800,508, G>T on the plus strand (C>A on the coding strand, the complement: MN1 is on the minus strand). VCF-style: chr22-27800508-G-T. GRCh37 (hg19) VCF-style: chr22-28196496-G-T.
Other names: c.36C>A (NM_002430.2); short protein forms N12K.
Identifiers: ClinVar variation 2503984 (VCV002503984.1), dbSNP rs1933414705, ClinGen allele CA411052160.